The following is an entry in ClinVar:

NM_005445.4(SMC3):c.3517A>G (p.Thr1173Ala)

Gene: SMC3 (structural maintenance of chromosomes 3; plus strand). Cytogenetic location: 10q25.2.
Variant type: single nucleotide variant.
Coding change: c.3517A>G on transcript NM_005445.4 (MANE Select); coding-DNA position 3517, A replaced by G.
Protein change: p.Thr1173Ala; replaces threonine 1173 with alanine.
Molecular consequence: missense variant.
Genome position (GRCh38, 1-based): chr10:110,603,225, A>G. VCF-style: chr10-110603225-A-G. GRCh37 (hg19) VCF-style: chr10-112362983-A-G.
Other names: short protein forms T1173A.
Identifiers: ClinVar variation 3764148 (VCV003764148.1).

ClinVar aggregate classification (germline): Uncertain significance (1 of 4 stars; one submission).

Submission:

GeneDx
Classification: Uncertain significance. Last evaluated: 2024-08-23. Review status: criteria provided, single submitter. Criteria: GeneDx Variant Classification Process June 2021. Collection method: clinical testing. Allele origin: germline. Affected: yes.
Comment: Not observed at significant frequency in large population cohorts (gnomAD); In silico analysis supports that this missense variant has a deleterious effect on protein structure/function; Has not been previously published as pathogenic or benign to our knowledge